The following is an entry in ClinVar:

NM_014806.5(RUSC2):c.3020T>C (p.Ile1007Thr)

Gene: RUSC2 (RUN and SH3 domain containing 2; plus strand). Cytogenetic location: 9p13.3.
Variant type: single nucleotide variant.
Coding change: c.3020T>C on transcript NM_014806.5 (MANE Select); coding-DNA position 3020, T replaced by C.
Protein change: p.Ile1007Thr; replaces isoleucine 1007 with threonine.
Molecular consequence: missense variant. On other transcripts: non-coding transcript variant (1).
Genome position (GRCh38, 1-based): chr9:35,557,950, T>C. VCF-style: chr9-35557950-T-C. GRCh37 (hg19) VCF-style: chr9-35557947-T-C.
Other names: c.3020T>C, p.Ile1007Thr (NM_001135999.2); c.386T>C, p.Ile129Thr (NM_001330740.2); short protein forms I1007T, I129T.
Identifiers: ClinVar variation 2119003 (VCV002119003.3), dbSNP rs778893705, ClinGen allele CA5044026.

ClinVar aggregate classification (germline): Uncertain significance (1 of 4 stars; one submission).

Allele frequency attached by ClinVar (database versions not stated): gnomAD exomes below 0.00001; ExAC 0.00001.
gnomAD v4.1: 2 of 1,614,218 alleles (0.00012%); highest among the groups gnomAD compares: African/African-American, 0.0013%; no homozygotes.

Submission:

Labcorp Genetics (formerly Invitae), Labcorp
Classification: Uncertain significance. Last evaluated: 2023-10-03. Review status: criteria provided, single submitter. Criteria: Invitae Variant Classification Sherloc (09022015). Collection method: clinical testing. Allele origin: germline.
Comment: This sequence change replaces isoleucine, which is neutral and non-polar, with threonine, which is neutral and polar, at codon 1007 of the RUSC2 protein (p.Ile1007Thr). This variant is present in population databases (rs778893705, gnomAD 0.003%). This variant has not been reported in the literature in individuals affected with RUSC2-related conditions. ClinVar contains an entry for this variant (Variation ID: 2119003). An algorithm developed to predict the effect of missense changes on protein structure and function (PolyPhen-2) suggests that this variant is likely to be disruptive. In summary, the available evidence is currently insufficient to determine the role of this variant in disease. Therefore, it has been classified as a Variant of Uncertain Significance.